The following is an entry in ClinVar:

ClinVar aggregate classification (germline): Uncertain significance. Review status: criteria provided, multiple submitters, no conflicts (2 of 4 stars). 2 submissions from 2 submitters: Uncertain significance (2). Last evaluated 2025-10-16.

Allele frequency attached by ClinVar (database versions not stated): gnomAD exomes below 0.00001 and 0.00001; gnomAD 0.00002; TOPMed 0.00003.
gnomAD v4.1: 4 of 1,210,713 alleles (0.00033%); highest among the groups gnomAD compares: African/African-American, 0.0035%; no homozygotes.

Submissions (2):

Labcorp Genetics (formerly Invitae), Labcorp
Classification: Uncertain significance. Last evaluated: 2025-10-16. Review status: criteria provided, single submitter. Criteria: Invitae Variant Classification Sherloc (09022015). Collection method: clinical testing. Allele origin: germline.
Comment: This sequence change replaces methionine, which is neutral and non-polar, with threonine, which is neutral and polar, at codon 320 of the CACNA1F protein (p.Met320Thr). The frequency data for this variant in the population databases is considered unreliable, as metrics indicate poor data quality at this position in the gnomAD database. This variant has not been reported in the literature in individuals affected with CACNA1F-related conditions. ClinVar contains an entry for this variant (Variation ID: 1521744). Invitae Evidence Modeling of protein sequence and biophysical properties (such as structural, functional, and spatial information, amino acid conservation, physicochemical variation, residue mobility, and thermodynamic stability) has been performed for this missense variant. However, the output from this modeling did not meet the statistical confidence thresholds required to predict the impact of this variant on CACNA1F protein function. In summary, the available evidence is currently insufficient to determine the role of this variant in disease. Therefore, it has been classified as a Variant of Uncertain Significance.

Blueprint Genetics
Classification: Uncertain significance. Last evaluated: 2021-01-13. Review status: criteria provided, single submitter. Criteria: ACMG Guidelines, 2015. Collection method: clinical testing. Allele origin: germline.

NM_001256789.3(CACNA1F):c.959T>C (p.Met320Thr)

Gene: CACNA1F (calcium voltage-gated channel subunit alpha1 F; minus strand). Cytogenetic location: Xp11.23.
Variant type: single nucleotide variant.
Coding change: c.959T>C on transcript NM_001256789.3 (MANE Select); coding-DNA position 959, T replaced by C.
Protein change: p.Met320Thr; replaces methionine 320 with threonine.
Molecular consequence: missense variant.
Genome position (GRCh38, 1-based): chrX:49,228,306, A>G on the plus strand (T>C on the coding strand, the complement: CACNA1F is on the minus strand). VCF-style: chrX-49228306-A-G. GRCh37 (hg19) VCF-style: chrX-49084768-A-G.
Other names: c.764T>C, p.Met255Thr (NM_001256790.3); c.959T>C, p.Met320Thr (NM_005183.4); short protein forms M255T, M320T.
Identifiers: ClinVar variation 1521744 (VCV001521744.9), dbSNP rs1483505491, ClinGen allele CA412922579.